The following is an entry in ClinVar:

NM_003401.5(XRCC4):c.212G>C (p.Arg71Thr)

Gene: XRCC4 (X-ray repair cross complementing 4; plus strand). Cytogenetic location: 5q14.2.
Variant type: single nucleotide variant.
Coding change: c.212G>C on transcript NM_003401.5 (MANE Select); coding-DNA position 212, G replaced by C.
Protein change: p.Arg71Thr; replaces arginine 71 with threonine.
Molecular consequence: missense variant.
Genome position (GRCh38, 1-based): chr5:83,111,100, G>C. VCF-style: chr5-83111100-G-C. GRCh37 (hg19) VCF-style: chr5-82406919-G-C.
Other names: c.212G>C, p.Arg71Thr (NM_001131022.1, NM_001318012.3, NM_001318013.2 and 2 more transcripts); short protein forms R71T.
Identifiers: ClinVar variation 1953885 (VCV001953885.5), dbSNP rs371307071, ClinGen allele CA3332108.

ClinVar aggregate classification (germline): Uncertain significance (1 of 4 stars; one submission).

Allele frequency attached by ClinVar (database versions not stated): ExAC 0.00001; gnomAD 0.00001; gnomAD exomes 0.00003; TOPMed 0.00003; ESP Exome Variant Server 0.00008.
gnomAD v4.1: 37 of 1,611,854 alleles (0.0023%); highest among the groups gnomAD compares: Non-Finnish European, 0.0031%; no homozygotes.

Submission:

Labcorp Genetics (formerly Invitae), Labcorp
Classification: Uncertain significance. Last evaluated: 2022-08-30. Review status: criteria provided, single submitter. Criteria: Invitae Variant Classification Sherloc (09022015). Collection method: clinical testing. Allele origin: germline.
Comment: In summary, the available evidence is currently insufficient to determine the role of this variant in disease. Therefore, it has been classified as a Variant of Uncertain Significance. Algorithms developed to predict the effect of missense changes on protein structure and function are either unavailable or do not agree on the potential impact of this missense change (SIFT: "Not Available"; PolyPhen-2: "Probably Damaging"; Align-GVGD: "Not Available"). This variant has not been reported in the literature in individuals affected with XRCC4-related conditions. This variant is present in population databases (rs371307071, gnomAD 0.004%). This sequence change replaces arginine, which is basic and polar, with threonine, which is neutral and polar, at codon 71 of the XRCC4 protein (p.Arg71Thr).